The following is an entry in ClinVar:

NM_030958.3(SLCO5A1):c.255C>T (p.Ala85=)

Gene: SLCO5A1 (solute carrier organic anion transporter family member 5A1; minus strand). Cytogenetic location: 8q13.3.
Variant type: single nucleotide variant.
Coding change: c.255C>T on transcript NM_030958.3 (MANE Select); coding-DNA position 255, C replaced by T.
Protein change: p.Ala85=; no amino-acid change (alanine 85 retained).
Molecular consequence: synonymous variant.
Genome position (GRCh38, 1-based): chr8:69,832,419, G>A on the plus strand (C>T on the coding strand, the complement: SLCO5A1 is on the minus strand). VCF-style: chr8-69832419-G-A. GRCh37 (hg19) VCF-style: chr8-70744654-G-A.
Other names: c.255C>T, p.Ala85= (NM_001146008.2, NM_001146009.1).
Identifiers: ClinVar variation 1673378 (VCV001673378.15), dbSNP rs141633279, ClinGen allele CA4776846.

ClinVar aggregate classification (germline): Benign/Likely benign. Review status: criteria provided, multiple submitters, no conflicts (2 of 4 stars). 3 submissions from 3 submitters: Benign (2); Likely benign (1). Last evaluated 2026-01-13.

Allele frequency attached by ClinVar (database versions not stated): gnomAD exomes 0.00020 and 0.00050; ExAC 0.00062; 1000 Genomes Project 30x 0.00156; 1000 Genomes Project 0.00160; gnomAD 0.00207 and 0.00228; TOPMed 0.00251; ESP Exome Variant Server 0.00269.
gnomAD v4.1: 607 of 1,613,064 alleles (0.038%); highest among the groups gnomAD compares: African/African-American, 0.75%; 3 homozygotes.

Submissions (3):

Labcorp Genetics (formerly Invitae), Labcorp
Classification: Benign. Last evaluated: 2026-01-13. Review status: criteria provided, single submitter. Criteria: Invitae Variant Classification Sherloc (09022015). Collection method: clinical testing. Allele origin: germline.

CeGaT Center for Human Genetics Tuebingen
Classification: Likely benign. Last evaluated: 2025-11-01. Review status: criteria provided, single submitter. Criteria: CeGaT Center For Human Genetics Tuebingen Variant Classification Criteria Version 2. Collection method: clinical testing. Allele origin: germline. Affected: yes. Observed: 1 variant allele.
Comment: SLCO5A1: BP4, BP7

Breakthrough Genomics
Classification: Benign. Review status: criteria provided, single submitter. Criteria: ACMG Guidelines, 2015. Collection method: not provided. Allele origin: germline. Inheritance: Unknown mechanism. Affected: yes.